The following is an entry in ClinVar:

NM_001256715.2(DNAAF3):c.-7A>G

Genes: DNAAF3 (dynein axonemal assembly factor 3; minus strand), DNAAF3-AS1 (DNAAF3 antisense RNA 1; plus strand). Cytogenetic location: 19q13.42.
Variant type: single nucleotide variant.
Coding change: c.-7A>G on transcript NM_001256715.2 (MANE Select); 7 bases upstream of the start codon, A replaced by G.
Molecular consequence: 5 prime UTR variant. On other transcripts: missense variant (2).
Genome position (GRCh38, 1-based): chr19:55,166,525, T>C on the plus strand (A>G on the coding strand, the complement: DNAAF3 is on the minus strand). VCF-style: chr19-55166525-T-C. GRCh37 (hg19) VCF-style: chr19-55677893-T-C.
Other names: c.124A>G, p.Lys42Glu (NM_001256714.1, NM_178837.4); c.-256A>G (NM_001256716.2); short protein forms K42E.
Identifiers: ClinVar variation 1464400 (VCV001464400.6), dbSNP rs2147311994, ClinGen allele CA407463729.

ClinVar aggregate classification (germline): Uncertain significance (1 of 4 stars; one submission).

Conditions:
Primary ciliary dyskinesia. Also called: Ciliary dyskinesia. Identifiers: Orphanet 244, MedGen C0008780, MONDO:0016575, HP:0012265.

Allele frequency attached by ClinVar (database versions not stated): gnomAD exomes below 0.00001.

Submission:

Labcorp Genetics (formerly Invitae), Labcorp
Classification: Uncertain significance for Primary ciliary dyskinesia. Last evaluated: 2023-12-18. Review status: criteria provided, single submitter. Criteria: Invitae Variant Classification Sherloc (09022015). Collection method: clinical testing. Allele origin: germline.
Comment: This sequence change replaces lysine, which is basic and polar, with glutamic acid, which is acidic and polar, at codon 42 of the DNAAF3 protein (p.Lys42Glu). This variant is not present in population databases (gnomAD no frequency). This variant has not been reported in the literature in individuals affected with DNAAF3-related conditions. ClinVar contains an entry for this variant (Variation ID: 1464400). Algorithms developed to predict the effect of missense changes on protein structure and function output the following: SIFT: "Not Available"; PolyPhen-2: "Benign"; Align-GVGD: "Not Available". The glutamic acid amino acid residue is found in multiple mammalian species, which suggests that this missense change does not adversely affect protein function. In summary, the available evidence is currently insufficient to determine the role of this variant in disease. Therefore, it has been classified as a Variant of Uncertain Significance.